The following is an entry in ClinVar:

ClinVar aggregate classification (germline): Uncertain significance (1 of 4 stars; one submission).

Conditions:
SCAPER-related disorder. Also called: SCAPER-related condition.

gnomAD v4.1: 7 of 1,609,776 alleles (0.00043%); highest among the groups gnomAD compares: Admixed American, 0.0017%; no homozygotes.

Submission:

PreventionGenetics, part of Exact Sciences
Classification: Uncertain significance for SCAPER-related condition. Last evaluated: 2024-12-30. Review status: criteria provided, single submitter. Criteria: ACMG Guidelines, 2015. Collection method: clinical testing. Allele origin: germline.
Comment: The SCAPER c.4091C>T variant is predicted to result in the amino acid substitution p.Ala1364Val. To our knowledge, this variant has not been reported in the literature. This variant is reported in 0.0056% of alleles in individuals of East Asian descent in gnomAD. At this time, the clinical significance of this variant is uncertain due to the absence of conclusive functional and genetic evidence.

NM_020843.4(SCAPER):c.4073C>T (p.Ala1358Val)

Gene: SCAPER (S-phase cyclin A associated protein in the ER; minus strand). Cytogenetic location: 15q24.3.
Variant type: single nucleotide variant.
Coding change: c.4073C>T on transcript NM_020843.4 (MANE Select); coding-DNA position 4073, C replaced by T.
Protein change: p.Ala1358Val; replaces alanine 1358 with valine.
Molecular consequence: missense variant. On other transcripts: non-coding transcript variant (1).
Genome position (GRCh38, 1-based): chr15:76,351,263, G>A on the plus strand (C>T on the coding strand, the complement: SCAPER is on the minus strand). VCF-style: chr15-76351263-G-A. GRCh37 (hg19) VCF-style: chr15-76643604-G-A.
Other names: c.3335C>T, p.Ala1112Val (NM_001145923.2); c.4091C>T, p.Ala1364Val (NM_001353009.2); c.3671C>T, p.Ala1224Val (NM_001353010.2, NM_001353012.2); c.3689C>T, p.Ala1230Val (NM_001353011.2); short protein forms A1364V, A1112V, A1224V, A1230V, A1358V.
Identifiers: ClinVar variation 4981340 (VCV004981340.1).